The following is an entry in ClinVar:

NM_001128840.3(CACNA1D):c.757G>T (p.Gly253Ter)

Gene: CACNA1D (calcium voltage-gated channel subunit alpha1 D; plus strand). Cytogenetic location: 3p21.1.
Variant type: single nucleotide variant.
Coding change: c.757G>T on transcript NM_001128840.3 (MANE Select); coding-DNA position 757, G replaced by T.
Protein change: p.Gly253Ter; replaces glycine 253 with a stop codon.
Molecular consequence: nonsense.
Genome position (GRCh38, 1-based): chr3:53,660,266, G>T. VCF-style: chr3-53660266-G-T. GRCh37 (hg19) VCF-style: chr3-53694293-G-T.
Other names: c.757G>T, p.Gly253Ter (NM_000720.4, NM_001128839.3); short protein forms G253*.
Identifiers: ClinVar variation 1302713 (VCV001302713.2), dbSNP rs2108327530, ClinGen allele CA353382801.

ClinVar aggregate classification (germline): Uncertain significance (1 of 4 stars; one submission).

Submission:

GeneDx
Classification: Uncertain significance. Last evaluated: 2019-04-20. Review status: criteria provided, single submitter. Criteria: GeneDx Variant Classification Process June 2021. Collection method: clinical testing. Allele origin: germline. Affected: yes.
Comment: Not observed in large population cohorts (Lek et al., 2016); Nonsense variant predicted to result in nonsense mediated decay in a gene for which loss-of-function is not a known mechanism of disease; Has not been previously published as pathogenic or benign to our knowledge